The following is an entry in ClinVar:

ClinVar aggregate classification (germline): Pathogenic/Likely pathogenic. Review status: criteria provided, multiple submitters, no conflicts (2 of 4 stars). 3 submissions from 3 submitters: Pathogenic (2); Likely pathogenic (1). Last evaluated 2024-11-07.

Conditions:
Pyruvate carboxylase deficiency. Also called: ATAXIA WITH LACTIC ACIDOSIS II; LEIGH NECROTIZING ENCEPHALOPATHY DUE TO PYRUVATE CARBOXYLASE DEFICIENCY; LEIGH SYNDROME DUE TO PYRUVATE CARBOXYLASE DEFICIENCY; PC DEFICIENCY; Pyruvate Carboxylase Deficiency Disease. Identifiers: Orphanet 3008, MedGen C0034341, MONDO:0009949, OMIM 266150.

Submissions (3):

Labcorp Genetics (formerly Invitae), Labcorp
Classification: Pathogenic for Pyruvate carboxylase deficiency. Last evaluated: 2024-11-07. Review status: criteria provided, single submitter. Criteria: Invitae Variant Classification Sherloc (09022015). Collection method: clinical testing. Allele origin: germline.
Comment: This sequence change creates a premature translational stop signal (p.Arg571Thrfs*37) in the PC gene. It is expected to result in an absent or disrupted protein product. Loss-of-function variants in PC are known to be pathogenic (PMID: 12112657, 19306334). This variant is not present in population databases (gnomAD no frequency). This variant has not been reported in the literature in individuals affected with PC-related conditions. ClinVar contains an entry for this variant (Variation ID: 3240021). For these reasons, this variant has been classified as Pathogenic.

Baylor Genetics
Classification: Likely pathogenic for Pyruvate carboxylase deficiency. Last evaluated: 2024-03-28. Review status: criteria provided, single submitter. Criteria: ACMG Guidelines, 2015. Collection method: clinical testing. Allele origin: unknown.

Myriad Genetics, Inc.
Classification: Pathogenic for Pyruvate carboxylase deficiency. Last evaluated: 2024-02-19. Review status: criteria provided, single submitter. Criteria: Myriad Autosomal Dominant, Autosomal Recessive and X-Linked Classification Criteria (2023). Collection method: clinical testing. Allele origin: unknown.
Comment: NM_000920.3(PC):c.1712_1728del17(R571Tfs*37) is expected to be pathogenic in the context of pyruvate carboxylase deficiency. This variant is predicted to lead to an abnormal or absent protein product due to the creation of a premature termination codon in PC, a gene where loss-of-function variants are known to be pathogenic. Please note: this variant was assessed in the context of healthy population screening.

Literature cited by the submitters: PubMed 12112657 (cited by Labcorp Genetics (formerly Invitae), Labcorp); PubMed 19306334 (cited by Labcorp Genetics (formerly Invitae), Labcorp).

NM_001040716.2(PC):c.1712_1728del (p.Arg571fs)

Gene: PC (pyruvate carboxylase; minus strand). Cytogenetic location: 11q13.2.
Variant type: Deletion.
Coding change: c.1712_1728del on transcript NM_001040716.2 (MANE Select); coding-DNA positions 1712 to 1728, 17 bases deleted (GGGACGCCCACCAGTCA).
Protein change: p.Arg571fs; shifts the reading frame from arginine 571.
Molecular consequence: frameshift variant.
Genome position (GRCh38, 1-based): chr11:66,852,536-66,852,552, TGACTGGTGGGCGTCCC deleted on the plus strand (GGGACGCCCACCAGTCA on the coding strand, the reverse complement: PC is on the minus strand); deleting any 17 consecutive bases within chr11:66,852,536-66,852,555 gives the same sequence; the c. name uses the placement nearest the transcript's 3' end. VCF-style (leftmost placement, unchanged base first): chr11-66852535-GTGACTGGTGGGCGTCCC-G. GRCh37 (hg19) VCF-style: chr11-66620006-GTGACTGGTGGGCGTCCC-G.
Other names: c.1712_1728del, p.Arg571fs (NM_000920.4, NM_022172.3); short protein forms R571fs.
Identifiers: ClinVar variation 3240021 (VCV003240021.4), dbSNP rs2495487509.
Genomic context (GRCh38, chr11:66,852,535, plus strand): 5'-TGTGGGCAACATAGGGGGCGATCTTTTTGAGATCGTGGGTGCGCACACGAGTGGCCAGCA[GTGACTGGTGGGCGTCCC>G]TGAAGGTCGTGTCCATCAGCAGCAGCCCCGGGTGGTTCCGCACAGCTCGAGCAAAGCCCT-3'